The following is an entry in ClinVar:

ClinVar aggregate classification (germline): Uncertain significance. Review status: criteria provided, multiple submitters, no conflicts (2 of 4 stars). 2 submissions from 2 submitters: Uncertain significance (2). Last evaluated 2019-12-13.

Conditions:
Developmental and epileptic encephalopathy, 30 (DEE30). Also called: Epileptic encephalopathy, early infantile, 30. Identifiers: MedGen C4225360, MONDO:0014595, OMIM 616341.

Submissions (2):

GeneDx
Classification: Uncertain significance. Last evaluated: 2019-12-13. Review status: criteria provided, single submitter. Criteria: GeneDx Variant Classification Process June 2021. Collection method: clinical testing. Allele origin: germline. Affected: yes.
Comment: In silico analysis, which includes protein predictors and evolutionary conservation, supports a deleterious effect; Has not been previously published as pathogenic or benign to our knowledge

Neuberg Centre For Genomic Medicine, NCGM
Classification: Uncertain significance for Developmental and epileptic encephalopathy, 30. Review status: criteria provided, single submitter. Criteria: ACMG Guidelines, 2015. Collection method: clinical testing. Allele origin: germline. Inheritance: Autosomal dominant inheritance. Affected: yes.
Comment: The missense c.2065T>A(p.Cys689Ser) in SIK1 gene has not been reported previously as a pathogenic variant nor a benign variant, to our knowledge. The p.Cys689Ser variant is novel (not in any individuals) in both gnomAD Exomes and 1000 Genomes databases. This variant has been reported to the ClinVar database as Uncertain Significance. The amino acid change p.Cys689Ser in SIK1 is predicted as conserved by GERP++ and PhyloP across 100 vertebrates. The amino acid Cys at position 689 is changed to a Ser changing protein sequence and it might alter its composition and physico-chemical properties. For these reasons, this variant has been classified as a Variant of Uncertain Significance (VUS).

NM_173354.5(SIK1):c.2065T>A (p.Cys689Ser)

Gene: SIK1 (salt inducible kinase 1; minus strand). Cytogenetic location: 21q22.3.
Variant type: single nucleotide variant.
Coding change: c.2065T>A on transcript NM_173354.5 (MANE Select); coding-DNA position 2065, T replaced by A.
Protein change: p.Cys689Ser; replaces cysteine 689 with serine.
Molecular consequence: missense variant.
Genome position (GRCh38, 1-based): chr21:43,417,029, A>T on the plus strand (T>A on the coding strand, the complement: SIK1 is on the minus strand). VCF-style: chr21-43417029-A-T. GRCh37 (hg19) VCF-style: chr21-44836909-A-T.
Other names: short protein forms C689S.
Identifiers: ClinVar variation 1310718 (VCV001310718.3), dbSNP rs772047499, ClinGen allele CA321324496.